The following is an entry in ClinVar:

ClinVar aggregate classification (germline): Uncertain significance. Review status: criteria provided, multiple submitters, no conflicts (2 of 4 stars). 2 submissions from 2 submitters: Uncertain significance (2). Last evaluated 2024-11-24.

Conditions:
Cardiovascular phenotype. Identifiers: MedGen CN230736.
RASopathy. Also called: rasopathies; Noonan spectrum disorder. Identifiers: Orphanet 536391, MedGen C5555857, MONDO:0021060.

Submissions (2):

Ambry Genetics
Classification: Uncertain significance for Cardiovascular phenotype. Last evaluated: 2024-11-24. Review status: criteria provided, single submitter. Criteria: Ambry Variant Classification Scheme 2023. Collection method: clinical testing. Allele origin: germline.
Comment: The p.G289V variant (also known as c.866G>T), located in coding exon 5 of the CBL gene, results from a G to T substitution at nucleotide position 866. The glycine at codon 289 is replaced by valine, an amino acid with dissimilar properties. This amino acid position is conserved. In addition, this alteration is predicted to be deleterious by in silico analysis. Based on the available evidence, the clinical significance of this variant remains unclear.

Labcorp Genetics (formerly Invitae), Labcorp
Classification: Uncertain significance for RASopathy. Last evaluated: 2021-05-30. Review status: criteria provided, single submitter. Criteria: Invitae Variant Classification Sherloc (09022015). Collection method: clinical testing. Allele origin: germline.
Comment: In summary, the available evidence is currently insufficient to determine the role of this variant in disease. Therefore, it has been classified as a Variant of Uncertain Significance. Advanced modeling of protein sequence and biophysical properties (such as structural, functional, and spatial information, amino acid conservation, physicochemical variation, residue mobility, and thermodynamic stability) performed at Invitae indicates that this missense variant is expected to disrupt CBL protein function. This variant has not been reported in the literature in individuals with CBL-related conditions. This variant is not present in population databases (ExAC no frequency). This sequence change replaces glycine with valine at codon 289 of the CBL protein (p.Gly289Val). The glycine residue is highly conserved and there is a moderate physicochemical difference between glycine and valine.

NM_005188.4(CBL):c.866G>T (p.Gly289Val)

Gene: CBL (Cbl proto-oncogene; plus strand). Cytogenetic location: 11q23.3.
Variant type: single nucleotide variant.
Coding change: c.866G>T on transcript NM_005188.4 (MANE Select); coding-DNA position 866, G replaced by T.
Protein change: p.Gly289Val; replaces glycine 289 with valine.
Molecular consequence: missense variant.
Genome position (GRCh38, 1-based): chr11:119,274,950, G>T. VCF-style: chr11-119274950-G-T. GRCh37 (hg19) VCF-style: chr11-119145660-G-T.
Other names: c.866G>T (NM_005188.2); short protein forms G289V.
Identifiers: ClinVar variation 1499025 (VCV001499025.9), dbSNP rs2135300624, ClinGen allele CA382911184.